The following is an entry in ClinVar:

NM_001374259.2(IL12RB2):c.1175A>T (p.Asn392Ile)

Gene: IL12RB2 (interleukin 12 receptor subunit beta 2; plus strand). Cytogenetic location: 1p31.3.
Variant type: single nucleotide variant.
Coding change: c.1175A>T on transcript NM_001374259.2 (MANE Select); coding-DNA position 1175, A replaced by T.
Protein change: p.Asn392Ile; replaces asparagine 392 with isoleucine.
Molecular consequence: missense variant. On other transcripts: non-coding transcript variant (2).
Genome position (GRCh38, 1-based): chr1:67,351,006, A>T. VCF-style: chr1-67351006-A-T. GRCh37 (hg19) VCF-style: chr1-67816689-A-T.
Other names: c.1175A>T (NM_001559.2); c.1175A>T, p.Asn392Ile (NM_001258214.1, NM_001258215.1, NM_001258216.1 and 2 more transcripts); short protein forms N392I.
Identifiers: ClinVar variation 1025077 (VCV001025077.7), dbSNP rs140805324, ClinGen allele CA900420.

ClinVar aggregate classification (germline): Uncertain significance. Review status: criteria provided, multiple submitters, no conflicts (2 of 4 stars). 2 submissions from 2 submitters: Uncertain significance (2). Last evaluated 2025-04-17.

Allele frequency attached by ClinVar (database versions not stated): gnomAD 0.00006 and 0.00007; TOPMed 0.00007; ExAC 0.00008; gnomAD exomes 0.00012; ESP Exome Variant Server 0.00015.
gnomAD v4.1: 126 of 1,614,012 alleles (0.0078%); highest among the groups gnomAD compares: Non-Finnish European, 0.0091%; no homozygotes.

Submissions (2):

Labcorp Genetics (formerly Invitae), Labcorp
Classification: Uncertain significance. Last evaluated: 2025-04-17. Review status: criteria provided, single submitter. Criteria: Invitae Variant Classification Sherloc (09022015). Collection method: clinical testing. Allele origin: germline.
Comment: This sequence change replaces asparagine, which is neutral and polar, with isoleucine, which is neutral and non-polar, at codon 392 of the IL12RB2 protein (p.Asn392Ile). This variant is present in population databases (rs140805324, gnomAD 0.03%). This variant has not been reported in the literature in individuals affected with IL12RB2-related conditions. ClinVar contains an entry for this variant (Variation ID: 1025077). An algorithm developed to predict the effect of missense changes on protein structure and function outputs the following: PolyPhen-2: "Benign". The isoleucine amino acid residue is found in multiple mammalian species, which suggests that this missense change does not adversely affect protein function. In summary, the available evidence is currently insufficient to determine the role of this variant in disease. Therefore, it has been classified as a Variant of Uncertain Significance.

Ambry Genetics
Classification: Uncertain significance. Last evaluated: 2022-04-22. Review status: criteria provided, single submitter. Criteria: Ambry Variant Classification Scheme 2023. Collection method: clinical testing. Allele origin: germline.